The following is an entry in ClinVar:

ClinVar aggregate classification (germline): Uncertain significance. Review status: criteria provided, multiple submitters, no conflicts (2 of 4 stars). 3 submissions from 3 submitters: Uncertain significance (3). Last evaluated 2025-03-30.

Conditions:
Inborn genetic diseases. Identifiers: MedGen C0950123, MeSH D030342.

Allele frequency attached by ClinVar (database versions not stated): TOPMed 0.00005.
gnomAD v4.1: 13 of 1,406,238 alleles (0.00092%); highest among the groups gnomAD compares: African/African-American, 0.018%; no homozygotes.

Submissions (3):

Labcorp Genetics (formerly Invitae), Labcorp
Classification: Uncertain significance. Last evaluated: 2025-03-30. Review status: criteria provided, single submitter. Criteria: Invitae Variant Classification Sherloc (09022015). Collection method: clinical testing. Allele origin: germline.
Comment: This sequence change replaces valine, which is neutral and non-polar, with methionine, which is neutral and non-polar, at codon 3 of the MTFMT protein (p.Val3Met). The frequency data for this variant in the population databases is considered unreliable, as metrics indicate poor data quality at this position in the gnomAD database. This variant has not been reported in the literature in individuals affected with MTFMT-related conditions. ClinVar contains an entry for this variant (Variation ID: 1347875). Invitae Evidence Modeling of protein sequence and biophysical properties (such as structural, functional, and spatial information, amino acid conservation, physicochemical variation, residue mobility, and thermodynamic stability) indicates that this missense variant is not expected to disrupt MTFMT protein function with a negative predictive value of 95%. In summary, the available evidence is currently insufficient to determine the role of this variant in disease. Therefore, it has been classified as a Variant of Uncertain Significance.

Ambry Genetics
Classification: Uncertain significance for Inborn genetic diseases. Last evaluated: 2025-01-22. Review status: criteria provided, single submitter. Criteria: Ambry Variant Classification Scheme 2023. Collection method: clinical testing. Allele origin: germline.

GeneDx
Classification: Uncertain significance. Last evaluated: 2024-08-16. Review status: criteria provided, single submitter. Criteria: GeneDx Variant Classification Process June 2021. Collection method: clinical testing. Allele origin: germline. Affected: yes.
Comment: Not observed at significant frequency in large population cohorts (gnomAD); In silico analysis indicates that this missense variant does not alter protein structure/function; Has not been previously published as pathogenic or benign to our knowledge

NM_139242.4(MTFMT):c.7G>A (p.Val3Met)

Genes: MTFMT (mitochondrial methionyl-tRNA formyltransferase; minus strand), LOC130057309 (ATAC-STARR-seq lymphoblastoid silent region 6550; plus strand). Cytogenetic location: 15q22.31.
Variant type: single nucleotide variant.
Coding change: c.7G>A on transcript NM_139242.4 (MANE Select); coding-DNA position 7, G replaced by A.
Protein change: p.Val3Met; replaces valine 3 with methionine.
Molecular consequence: missense variant.
Genome position (GRCh38, 1-based): chr15:65,029,607, C>T on the plus strand (G>A on the coding strand, the complement: MTFMT is on the minus strand). VCF-style: chr15-65029607-C-T. GRCh37 (hg19) VCF-style: chr15-65321945-C-T.
Other names: c.7G>A (NM_139242.3); short protein forms V3M.
Identifiers: ClinVar variation 1347875 (VCV001347875.10), dbSNP rs1035884059, ClinGen allele CA271504923.
Genomic context (GRCh38, chr15:65,029,607, plus strand): 5'-TCGGCCTCCCACGCCTGGCGCCATGAGCCAGCGGAGGACCCCAACAGCGCCGCACCAACA[C>T]CCTCATCGCCTCGGCCGCCGGCGGCCGGCCCTGCGCAGGCGCATCGGGGCGGGGACAAGG-3'
Protein context (NP_640335.2, residues 1-13): MR[Val3Met]LVRRCWGPPL